The following is an entry in ClinVar:

ClinVar aggregate classification (germline): Pathogenic (1 of 4 stars; one submission).

Conditions:
Merosin deficient congenital muscular dystrophy (MDC1A). Also called: Congenital merosin-deficient muscular dystrophy 1A; Congenital Muscular Dystrophy Type 1A (MDC1A). Identifiers: Orphanet 258, MedGen C1263858, MONDO:0011925, OMIM 607855.

Submission:

Women's Health and Genetics/Laboratory Corporation of America, LabCorp
Classification: Pathogenic for Merosin deficient congenital muscular dystrophy. Last evaluated: 2025-11-28. Review status: criteria provided, single submitter. Criteria: LabCorp Variant Classification Summary - May 2015. Collection method: clinical testing. Allele origin: germline.
Comment: Variant summary: LAMA2 c.2843_2846dupGTGA (p.Asp949GlufsX2) results in a premature termination codon, predicted to cause absence of the protein due to nonsense mediated decay, which is a commonly known mechanism for disease. The variant was absent in 251440 control chromosomes. To our knowledge, no occurrence of c.2843_2846dupGTGA in individuals affected with LAMA2-related conditions and no experimental evidence demonstrating its impact on protein function have been reported. No submitters have cited clinical-significance assessments for this variant to ClinVar. Based on the evidence outlined above, the variant was classified as pathogenic.

NM_000426.4(LAMA2):c.2843_2846dup (p.Asp949delinsGluTer)

Gene: LAMA2 (laminin subunit alpha 2; plus strand). Cytogenetic location: 6q22.33.
Variant type: Duplication.
Coding change: c.2843_2846dup on transcript NM_000426.4 (MANE Select); coding-DNA positions 2843 to 2846, 4 bases duplicated (GTGA; older notation c.2843_2846dupGTGA).
Protein change: p.Asp949delinsGluTer.
Molecular consequence: nonsense.
Genome position (GRCh38, 1-based): chr6:129,291,707-129,291,710, GTGA duplicated. VCF-style (leftmost placement, unchanged base first): chr6-129291706-T-TGTGA. GRCh37 (hg19) VCF-style: chr6-129612851-T-TGTGA.
Other names: c.2843_2846dup, p.Asp949delinsGluTer (NM_001079823.2); c.2843_2846dupGTGA (NM_000426.4).
Identifiers: ClinVar variation 4536679 (VCV004536679.1).